The following is an entry in ClinVar:

NM_000530.8(MPZ):c.646A>G (p.Thr216Ala)

Gene: MPZ (myelin protein zero; minus strand). Cytogenetic location: 1q23.3.
Variant type: single nucleotide variant.
Coding change: c.646A>G on transcript NM_000530.8 (MANE Select); coding-DNA position 646, A replaced by G.
Protein change: p.Thr216Ala; replaces threonine 216 with alanine.
Molecular consequence: missense variant.
Genome position (GRCh38, 1-based): chr1:161,305,977, T>C on the plus strand (A>G on the coding strand, the complement: MPZ is on the minus strand). VCF-style: chr1-161305977-T-C. GRCh37 (hg19) VCF-style: chr1-161275767-T-C.
Other names: c.646A>G, p.Thr216Ala (NM_001315491.2); short protein forms T216A.
Identifiers: ClinVar variation 2899263 (VCV002899263.3), dbSNP rs779164418, ClinGen allele CA1210076.

ClinVar aggregate classification (germline): Uncertain significance (1 of 4 stars; one submission).

Conditions:
Charcot-Marie-Tooth disease, type I (CMT1). Also called: Charcot-Marie-Tooth disease type 1; Charcot-Marie-Tooth, Type 1. Identifiers: Orphanet 65753, MedGen C0751036, MONDO:0019011.

Allele frequency attached by ClinVar (database versions not stated): ExAC 0.00001; gnomAD 0.00001; TOPMed 0.00001.
gnomAD v4.1: 2 of 1,613,764 alleles (0.00012%); highest among the groups gnomAD compares: African/African-American, 0.0013%; no homozygotes.

Submission:

Labcorp Genetics (formerly Invitae), Labcorp
Classification: Uncertain significance for Charcot-Marie-Tooth disease, type I. Last evaluated: 2023-07-19. Review status: criteria provided, single submitter. Criteria: Invitae Variant Classification Sherloc (09022015). Collection method: clinical testing. Allele origin: germline.
Comment: This sequence change replaces threonine, which is neutral and polar, with alanine, which is neutral and non-polar, at codon 216 of the MPZ protein (p.Thr216Ala). This variant is present in population databases (rs779164418, gnomAD 0.008%). This variant has not been reported in the literature in individuals affected with MPZ-related conditions. An algorithm developed to predict the effect of missense changes on protein structure and function (PolyPhen-2) suggests that this variant is likely to be tolerated. In summary, the available evidence is currently insufficient to determine the role of this variant in disease. Therefore, it has been classified as a Variant of Uncertain Significance.